The following is an entry in ClinVar:

NM_001009944.3(PKD1):c.10940G>A (p.Arg3647Gln)

Genes: PKD1 (polycystin 1, transient receptor potential channel interacting; minus strand), PKD1-AS1 (PKD1 antisense RNA 1; plus strand). Cytogenetic location: 16p13.3.
Variant type: single nucleotide variant.
Coding change: c.10940G>A on transcript NM_001009944.3 (MANE Select); coding-DNA position 10940, G replaced by A.
Protein change: p.Arg3647Gln; replaces arginine 3647 with glutamine.
Molecular consequence: missense variant.
Genome position (GRCh38, 1-based): chr16:2,093,620, C>T on the plus strand (G>A on the coding strand, the complement: PKD1 is on the minus strand). VCF-style: chr16-2093620-C-T. GRCh37 (hg19) VCF-style: chr16-2143621-C-T.
Other names: c.10937G>A, p.Arg3646Gln (NM_000296.4); short protein forms R3647Q, R3646Q.
Identifiers: ClinVar variation 633656 (VCV000633656.3), dbSNP rs1415072762, ClinGen allele CA394338815.

ClinVar aggregate classification (germline): Uncertain significance. Review status: criteria provided, multiple submitters, no conflicts (2 of 4 stars). 3 submissions from 3 submitters: Uncertain significance (2). 1 of the submissions does not count toward it. Last evaluated 2026-03-30.

Conditions:
Polycystic kidney disease, adult type (PKD1). Also called: Polycystic Kidney Disease 1, Autosomal Dominant; Polycystic kidney disease 1; Polycystic kidney disease 1, severe; POLYCYSTIC KIDNEY DISEASE 1 WITH OR WITHOUT POLYCYSTIC LIVER DISEASE; Polycystic Kidney, Autosomal Dominant; POLYCYSTIC KIDNEY DISEASE, ADULT, TYPE I. Identifiers: MedGen C3149841, MONDO:0008263, OMIM 173900.

Allele frequency attached by ClinVar (database versions not stated): gnomAD exomes below 0.00001 and 0.00001; TOPMed 0.00001.
gnomAD v4.1: 16 of 1,609,260 alleles (0.00099%); highest among the groups gnomAD compares: East Asian, 0.0022%; no homozygotes.

Submissions (3):

Women's Health and Genetics/Laboratory Corporation of America, LabCorp
Classification: Uncertain significance. Last evaluated: 2026-03-30. Review status: criteria provided, single submitter. Criteria: LabCorp Variant Classification Summary - May 2015. Collection method: clinical testing. Allele origin: germline.
Comment: Variant summary: PKD1 c.10940G>A (p.Arg3647Gln) results in a conservative amino acid change in the encoded protein sequence. Algorithms developed to predict the effect of missense changes on protein structure and function are either unavailable or do not agree on the potential impact of this missense change. The variant allele was found at a frequency of 4.1e-06 in 241002 control chromosomes. The available data on variant occurrences in the general population are insufficient to allow any conclusion about variant significance. c.10940G>A has been observed in at least one individual affected with Autosomal Dominant Polycystic Kidney Disease, without strong evidence of causality (example: Kurashige_2015). This report does not provide unequivocal conclusions about association of the variant with PKD1-related disorders. To our knowledge, no experimental evidence demonstrating an impact on protein function has been reported. The following publication has been ascertained in the context of this evaluation (PMID: 24611717). ClinVar contains an entry for this variant (Variation ID: 633656). Based on the evidence outlined above, the variant was classified as uncertain significance.

Fulgent Genetics
Classification: Uncertain significance for Polycystic kidney disease, adult type. Last evaluated: 2024-02-22. Review status: criteria provided, single submitter. Criteria: ACMG Guidelines, 2015. Collection method: clinical testing. Allele origin: germline.

Gharavi Laboratory, Columbia University
Classification: Uncertain significance. Last evaluated: 2018-09-16. Review status: no assertion criteria provided. Criteria: ACMG Guidelines, 2015. Collection method: research. Allele origin: germline. Affected: no. Not counted in ClinVar's aggregate classification.

Literature cited by the submitters: PubMed 24611717 (cited by Women's Health and Genetics/Laboratory Corporation of America, LabCorp).